The following is an entry in ClinVar:

NM_005859.5(PURA):c.178G>T (p.Glu60Ter)

Gene: PURA (purine rich element binding protein A; plus strand). Cytogenetic location: 5q31.3.
Variant type: single nucleotide variant.
Coding change: c.178G>T on transcript NM_005859.5 (MANE Select); coding-DNA position 178, G replaced by T.
Protein change: p.Glu60Ter; replaces glutamic acid 60 with a stop codon.
Molecular consequence: nonsense.
Genome position (GRCh38, 1-based): chr5:140,114,359, G>T. VCF-style: chr5-140114359-G-T. GRCh37 (hg19) VCF-style: chr5-139493944-G-T.
Other names: short protein forms E60*.
Identifiers: ClinVar variation 975786 (VCV000975786.6), dbSNP rs1763041722, ClinGen allele CA361489863.

ClinVar aggregate classification (germline): Pathogenic. Review status: criteria provided, multiple submitters, no conflicts (2 of 4 stars). 3 submissions from 3 submitters: Pathogenic (3). Last evaluated 2024-12-17.

Conditions:
PURA-related severe neonatal hypotonia-seizures-encephalopathy syndrome (NEDRIHF). Also called: NEURODEVELOPMENTAL DISORDER WITH NEONATAL RESPIRATORY INSUFFICIENCY, HYPOTONIA, AND FEEDING DIFFICULTIES; PURA-Related Neurodevelopmental Disorders. Identifiers: Orphanet 438213, Orphanet 438216, MedGen C4015357, MONDO:1060108, OMIM 616158, MONDO:0018580.
PURA-related neurodevelopmental disorder.
PURA Syndrome. Identifiers: MedGen C4708498.

Submissions (3):

Rady Children's Institute for Genomic Medicine, Rady Children's Hospital San Diego
Classification: Pathogenic for PURA-related neurodevelopmental disorder. Last evaluated: 2024-12-17. Review status: criteria provided, single submitter. Criteria: ACMG Guidelines, 2015. Collection method: clinical testing. Allele origin: germline. Affected: yes.
Comment: This nonsense variant is found in exon 1 of 1 of the PURA gene and is predicted to escape nonsense-mediated mRNA decay. However, nonsense variants located downstream of this variant have been reported as disease-causing variants in the literature (PMID: 29097605).The PURA gene is constrained against variation (Z-score= 4.45 and pLI = 1), and loss-of-function variants have been reported in individuals with disease (HGMD, ClinVar database; PMID: 34790866). This variant has been previously reported as a de novo change in a patient with PURA-related neurodevelopmental disorder (PMID: 33229923). The c.178G>T (p.Glu60Ter) variant is absent from the latest version of the gnomAD population database and thus is presumed to be rare. Based on parental analysis, this variant likely occurred as a de novo event. Based on the available evidence, c.178G>T (p.Glu60Ter) is classified as Pathogenic.

Kasturba Medical College, Manipal, Kasturba Medical College, Manipal, Manipal Academy of Higher Education, Manipal, India
Classification: Pathogenic for PURA-related severe neonatal hypotonia-seizures-encephalopathy syndrome. Last evaluated: 2020-07-26. Review status: criteria provided, single submitter. Criteria: ACMG Guidelines, 2015. Collection method: clinical testing. Allele origin: de novo. Inheritance: Autosomal dominant inheritance. Affected: yes. Observed: 1 heterozygote.

Centre de Biologie Pathologie Génétique, Centre Hospitalier Universitaire de Lille
Classification: Pathogenic for PURA Syndrome. Review status: criteria provided, single submitter. Criteria: ACMG Guidelines, 2015. Collection method: clinical testing. Allele origin: de novo. Affected: yes.

Literature cited by the submitters: PubMed 29097605 (cited by Rady Children's Institute for Genomic Medicine, Rady Children's Hospital San Diego); PubMed 34790866 (cited by Rady Children's Institute for Genomic Medicine, Rady Children's Hospital San Diego); PubMed 33229923 (cited by Rady Children's Institute for Genomic Medicine, Rady Children's Hospital San Diego).